The following is an entry in ClinVar:

ClinVar aggregate classification (germline): Uncertain significance. Review status: criteria provided, multiple submitters, no conflicts (2 of 4 stars). 5 submissions from 5 submitters: Uncertain significance (5). Last evaluated 2024-11-15.

Conditions:
Familial adenomatous polyposis 1 (FAP1). Also called: POLYPOSIS, ADENOMATOUS INTESTINAL; FAMILIAL ADENOMATOUS POLYPOSIS 1, ATTENUATED. Identifiers: MedGen C2713442, MONDO:0021056, OMIM 175100. Disease mechanism: loss of function.
Classic or attenuated familial adenomatous polyposis. Identifiers: MedGen CN372698, MONDO:0021057.
Hereditary cancer-predisposing syndrome. Also called: Hereditary Cancer Syndrome; Neoplastic Syndromes, Hereditary; Tumor predisposition; Hereditary neoplastic syndrome. Identifiers: Orphanet 140162, MedGen C0027672, MeSH D009386, MONDO:0015356.

Allele frequency attached by ClinVar (database versions not stated): TOPMed below 0.00001; gnomAD 0.00001.
gnomAD v4.1: 1 of 1,613,978 alleles (0.000062%); highest among the groups gnomAD compares: African/African-American, 0.0013%; no homozygotes.

Submissions (5):

Quest Diagnostics Nichols Institute San Juan Capistrano
Classification: Uncertain significance. Last evaluated: 2024-11-15. Review status: criteria provided, single submitter. Criteria: Quest Diagnostics criteria. Collection method: clinical testing. Allele origin: unknown.
Comment: The APC c.1871G>C (p.Ser624Thr) variant has not been reported in individuals with APC-related conditions in the published literature. The frequency of this variant in the general population, 0.0000066 (1/152142 chromosomes (Genome Aggregation Database)), is uninformative in the assessment of its pathogenicity. Analysis of this variant using bioinformatics tools for the prediction of the effect of amino acid changes on protein structure and function yielded conflicting predictions that this variant is deleterious or benign. Based on the available information, we are unable to determine the clinical significance of this variant.

Color Diagnostics, LLC DBA Color Health
Classification: Uncertain significance for Hereditary cancer-predisposing syndrome. Last evaluated: 2023-12-05. Review status: criteria provided, single submitter. Criteria: ACMG Guidelines, 2015. Collection method: clinical testing. Allele origin: germline.
Comment: This missense variant replaces serine with threonine at codon 624 of the APC protein. Computational prediction suggests that this variant may not impact protein structure and function (internally defined REVEL score threshold <= 0.5, PMID: 27666373). To our knowledge, functional studies have not been reported for this variant. This variant has not been reported in individuals affected with APC-related disorders in the literature. This variant has not been identified in the general population by the Genome Aggregation Database (gnomAD). The available evidence is insufficient to determine the role of this variant in disease conclusively. Therefore, this variant is classified as a Variant of Uncertain Significance.

Labcorp Genetics (formerly Invitae), Labcorp
Classification: Uncertain significance for Familial adenomatous polyposis 1. Last evaluated: 2023-09-10. Review status: criteria provided, single submitter. Criteria: Invitae Variant Classification Sherloc (09022015). Collection method: clinical testing. Allele origin: germline.
Comment: In summary, the available evidence is currently insufficient to determine the role of this variant in disease. Therefore, it has been classified as a Variant of Uncertain Significance. Advanced modeling of protein sequence and biophysical properties (such as structural, functional, and spatial information, amino acid conservation, physicochemical variation, residue mobility, and thermodynamic stability) performed at Invitae indicates that this missense variant is not expected to disrupt APC protein function. ClinVar contains an entry for this variant (Variation ID: 490229). This variant has not been reported in the literature in individuals affected with APC-related conditions. This variant is not present in population databases (gnomAD no frequency). This sequence change replaces serine, which is neutral and polar, with threonine, which is neutral and polar, at codon 624 of the APC protein (p.Ser624Thr).

Ambry Genetics
Classification: Uncertain significance for Hereditary cancer-predisposing syndrome. Last evaluated: 2023-07-07. Review status: criteria provided, single submitter. Criteria: Ambry Variant Classification Scheme 2023. Collection method: clinical testing. Allele origin: germline.
Comment: The p.S624T variant (also known as c.1871G>C), located in coding exon 14 of the APC gene, results from a G to C substitution at nucleotide position 1871. The serine at codon 624 is replaced by threonine, an amino acid with similar properties. This amino acid position is highly conserved in available vertebrate species. In addition, in silico predictors for this gene do not accurately predict pathogenicity. Since supporting evidence is limited at this time, the clinical significance of this alteration remains unclear.

All of Us Research Program, National Institutes of Health
Classification: Uncertain significance for Classic or attenuated familial adenomatous polyposis. Last evaluated: 2023-04-15. Review status: criteria provided, single submitter. Criteria: ACMG Guidelines, 2015. Collection method: clinical testing. Allele origin: germline. Inheritance: Autosomal dominant inheritance. Observed: 1 variant allele, 1 heterozygote.
Comment: This study involves interpretation of variants in research participants for the purpose of population health screening. Participant phenotype was not available at the time of variant classification. Additional details can be found in publication PMID: 35346344, PMCID: PMC8962531

NM_000038.6(APC):c.1871G>C (p.Ser624Thr)

Gene: APC (APC regulator of Wnt signaling pathway; plus strand). Cytogenetic location: 5q22.2.
Variant type: single nucleotide variant.
Coding change: c.1871G>C on transcript NM_000038.6 (MANE Select); coding-DNA position 1871, G replaced by C.
Protein change: p.Ser624Thr; replaces serine 624 with threonine.
Molecular consequence: missense variant.
Genome position (GRCh38, 1-based): chr5:112,835,078, G>C. VCF-style: chr5-112835078-G-C. GRCh37 (hg19) VCF-style: chr5-112170775-G-C.
Other names: c.1871G>C, p.Ser624Thr (NM_001127510.3, NM_001354895.2); c.1817G>C, p.Ser606Thr (NM_001127511.3); c.1925G>C, p.Ser642Thr (NM_001354896.2); c.1901G>C, p.Ser634Thr (NM_001354897.2); c.1796G>C, p.Ser599Thr (NM_001354898.2); c.1787G>C, p.Ser596Thr (NM_001354899.2); c.1748G>C, p.Ser583Thr (NM_001354900.2); c.1694G>C, p.Ser565Thr (NM_001354901.2); and 5 more; short protein forms S606T, S624T, S464T, S533T, S642T, S565T, S596T, S599T.
Identifiers: ClinVar variation 490229 (VCV000490229.16), dbSNP rs1463809433, ClinGen allele CA16025411.
Genomic context (GRCh38, chr5:112,835,078, plus strand): 5'-CTGATATATGTGCTGTAGATGGTGCACTTGCATTTTTGGTTGGCACTCTTACTTACCGGA[G>C]CCAGACAAACACTTTAGCCATTATTGAAAGTGGAGGTGGGATATTACGGAATGTGTCCAG-3'
Protein context (NP_000029.2, residues 614-634): AFLVGTLTYR[Ser624Thr]QTNTLAIIES